The following is an entry in ClinVar:

NM_015065.3(EXPH5):c.11T>C (p.Val4Ala)

Gene: EXPH5 (exophilin 5; minus strand). Cytogenetic location: 11q22.3.
Variant type: single nucleotide variant.
Coding change: c.11T>C on transcript NM_015065.3 (MANE Select); coding-DNA position 11, T replaced by C.
Protein change: p.Val4Ala; replaces valine 4 with alanine.
Molecular consequence: missense variant. On other transcripts: intron variant (1).
Genome position (GRCh38, 1-based): chr11:108,593,526, A>G on the plus strand (T>C on the coding strand, the complement: EXPH5 is on the minus strand). VCF-style: chr11-108593526-A-G. GRCh37 (hg19) VCF-style: chr11-108464253-A-G.
Other names: c.12-22T>C (NM_001308019.2); c.11T>C (NM_015065.2); short protein forms V4A.
Identifiers: ClinVar variation 1898119 (VCV001898119.6), dbSNP rs114557356, ClinGen allele CA6268379.

ClinVar aggregate classification (germline): Uncertain significance. Review status: criteria provided, multiple submitters, no conflicts (2 of 4 stars). 2 submissions from 2 submitters: Uncertain significance (2). Last evaluated 2024-04-15.

Conditions:
Inborn genetic diseases. Identifiers: MedGen C0950123, MeSH D030342.

Allele frequency attached by ClinVar (database versions not stated): gnomAD exomes 0.00002; TOPMed 0.00002; gnomAD 0.00003; ExAC 0.00004; 1000 Genomes Project 30x 0.00016; 1000 Genomes Project 0.00020.
gnomAD v4.1: 30 of 1,614,132 alleles (0.0019%); highest among the groups gnomAD compares: Non-Finnish European, 0.0023%; no homozygotes.

Submissions (2):

Labcorp Genetics (formerly Invitae), Labcorp
Classification: Uncertain significance. Last evaluated: 2024-04-15. Review status: criteria provided, single submitter. Criteria: Invitae Variant Classification Sherloc (09022015). Collection method: clinical testing. Allele origin: germline.
Comment: This sequence change replaces valine, which is neutral and non-polar, with alanine, which is neutral and non-polar, at codon 4 of the EXPH5 protein (p.Val4Ala). This variant is present in population databases (rs114557356, gnomAD 0.009%). This variant has not been reported in the literature in individuals affected with EXPH5-related conditions. ClinVar contains an entry for this variant (Variation ID: 1898119). Algorithms developed to predict the effect of missense changes on protein structure and function output the following: SIFT: "Not Available"; PolyPhen-2: "Benign"; Align-GVGD: "Not Available". The alanine amino acid residue is found in multiple mammalian species, which suggests that this missense change does not adversely affect protein function. In summary, the available evidence is currently insufficient to determine the role of this variant in disease. Therefore, it has been classified as a Variant of Uncertain Significance.

Ambry Genetics
Classification: Uncertain significance for Inborn genetic diseases. Last evaluated: 2024-03-07. Review status: criteria provided, single submitter. Criteria: Ambry Variant Classification Scheme 2023. Collection method: clinical testing. Allele origin: germline.